The following is an entry in ClinVar:

NM_012062.5(DNM1L):c.1995T>A (p.Ser665Arg)

Gene: DNM1L (dynamin 1 like; plus strand). Cytogenetic location: 12p11.21.
Variant type: single nucleotide variant.
Coding change: c.1995T>A on transcript NM_012062.5 (MANE Select); coding-DNA position 1995, T replaced by A.
Protein change: p.Ser665Arg; replaces serine 665 with arginine.
Molecular consequence: missense variant.
Genome position (GRCh38, 1-based): chr12:32,742,589, T>A. VCF-style: chr12-32742589-T-A. GRCh37 (hg19) VCF-style: chr12-32895523-T-A.
Other names: c.1923T>A, p.Ser641Arg (NM_001330380.2); c.1884T>A, p.Ser628Arg (NM_005690.5); c.1917T>A, p.Ser639Arg (NM_012063.4); c.1962T>A, p.Ser654Arg (NM_001278463.2); c.2034T>A, p.Ser678Arg (NM_001278464.2); c.2001T>A, p.Ser667Arg (NM_001278465.2); c.1386T>A, p.Ser462Arg (NM_001278466.2); short protein forms S628R, S641R, S462R, S639R, S654R, S667R, S678R, S665R.
Identifiers: ClinVar variation 2706023 (VCV002706023.3), dbSNP rs2541133637, ClinGen allele CA384365529.

ClinVar aggregate classification (germline): Uncertain significance (1 of 4 stars; one submission).

Submission:

Labcorp Genetics (formerly Invitae), Labcorp
Classification: Uncertain significance. Last evaluated: 2023-12-28. Review status: criteria provided, single submitter. Criteria: Invitae Variant Classification Sherloc (09022015). Collection method: clinical testing. Allele origin: germline.
Comment: This sequence change replaces serine, which is neutral and polar, with arginine, which is basic and polar, at codon 665 of the DNM1L protein (p.Ser665Arg). This variant is not present in population databases (gnomAD no frequency). This variant has not been reported in the literature in individuals affected with DNM1L-related conditions. An algorithm developed to predict the effect of missense changes on protein structure and function (PolyPhen-2) suggests that this variant is likely to be tolerated. In summary, the available evidence is currently insufficient to determine the role of this variant in disease. Therefore, it has been classified as a Variant of Uncertain Significance.